The following is an entry in ClinVar:

NM_000642.3(AGL):c.4337A>G (p.His1446Arg)

Gene: AGL (amylo-alpha-1,6-glucosidase and 4-alpha-glucanotransferase; plus strand). Cytogenetic location: 1p21.2.
Variant type: single nucleotide variant.
Coding change: c.4337A>G on transcript NM_000642.3 (MANE Select); coding-DNA position 4337, A replaced by G.
Protein change: p.His1446Arg; replaces histidine 1446 with arginine.
Molecular consequence: missense variant.
Genome position (GRCh38, 1-based): chr1:99,916,487, A>G. VCF-style: chr1-99916487-A-G. GRCh37 (hg19) VCF-style: chr1-100382043-A-G.
Other names: c.4337A>G, p.His1446Arg (NM_000028.3, NM_000643.3, NM_000644.3 and 1 more transcripts); c.4289A>G, p.His1430Arg (NM_000646.3); c.4316A>G, p.His1439Arg (NM_001425326.1); c.4136A>G, p.His1379Arg (NM_001425327.1); c.4133A>G, p.His1378Arg (NM_001425328.1); c.3998A>G, p.His1333Arg (NM_001425329.1); c.3959A>G, p.His1320Arg (NM_001425332.1); short protein forms H1430R, H1446R, H1320R, H1333R, H1378R, H1379R, H1439R.
Identifiers: ClinVar variation 1009530 (VCV001009530.5), dbSNP rs1655124520, ClinGen allele CA341342355.

ClinVar aggregate classification (germline): Uncertain significance (1 of 4 stars; one submission).

Conditions:
Glycogen storage disease type III (GSD3). Also called: Cori disease; FORBES DISEASE. Identifiers: Orphanet 366, MedGen C0017922, MONDO:0009291, OMIM 232400.

Submission:

Labcorp Genetics (formerly Invitae), Labcorp
Classification: Uncertain significance for Glycogen storage disease type III. Last evaluated: 2020-03-23. Review status: criteria provided, single submitter. Criteria: Invitae Variant Classification Sherloc (09022015). Collection method: clinical testing. Allele origin: germline.
Comment: This variant is not present in population databases (ExAC no frequency). In summary, the available evidence is currently insufficient to determine the role of this variant in disease. Therefore, it has been classified as a Variant of Uncertain Significance. Algorithms developed to predict the effect of missense changes on protein structure and function (SIFT, PolyPhen-2, Align-GVGD) all suggest that this variant is likely to be disruptive, but these predictions have not been confirmed by published functional studies and their clinical significance is uncertain. This variant has not been reported in the literature in individuals with AGL-related conditions. This sequence change replaces histidine with arginine at codon 1446 of the AGL protein (p.His1446Arg). The histidine residue is highly conserved and there is a small physicochemical difference between histidine and arginine.